The following is an entry in ClinVar:

ClinVar aggregate classification (germline): Uncertain significance (1 of 4 stars; one submission).

Allele frequency attached by ClinVar (database versions not stated): gnomAD exomes below 0.00001; gnomAD 0.00001; TOPMed 0.00001.
gnomAD v4.1: 5 of 1,610,784 alleles (0.00031%); highest among the groups gnomAD compares: East Asian, 0.011%; no homozygotes.

Submission:

Labcorp Genetics (formerly Invitae), Labcorp
Classification: Uncertain significance. Last evaluated: 2024-10-18. Review status: criteria provided, single submitter. Criteria: Invitae Variant Classification Sherloc (09022015). Collection method: clinical testing. Allele origin: germline.
Comment: This sequence change replaces glutamic acid, which is acidic and polar, with glycine, which is neutral and non-polar, at codon 179 of the FOXC2 protein (p.Glu179Gly). This variant is present in population databases (no rsID available, gnomAD 0.02%). This variant has not been reported in the literature in individuals affected with FOXC2-related conditions. An algorithm developed to predict the effect of missense changes on protein structure and function (PolyPhen-2) suggests that this variant is likely to be tolerated. In summary, the available evidence is currently insufficient to determine the role of this variant in disease. Therefore, it has been classified as a Variant of Uncertain Significance.

NM_005251.3(FOXC2):c.536A>G (p.Glu179Gly)

Gene: FOXC2 (forkhead box C2; plus strand). Cytogenetic location: 16q24.1.
Variant type: single nucleotide variant.
Coding change: c.536A>G on transcript NM_005251.3 (MANE Select); coding-DNA position 536, A replaced by G.
Protein change: p.Glu179Gly; replaces glutamic acid 179 with glycine.
Molecular consequence: missense variant.
Genome position (GRCh38, 1-based): chr16:86,567,871, A>G. VCF-style: chr16-86567871-A-G. GRCh37 (hg19) VCF-style: chr16-86601477-A-G.
Other names: short protein forms E179G.
Identifiers: ClinVar variation 2780880 (VCV002780880.3), dbSNP rs1473396239, ClinGen allele CA397007619.